The following is an entry in ClinVar:

NM_003718.5(CDK13):c.513C>T (p.Ala171=)

Gene: CDK13 (cyclin dependent kinase 13; plus strand). Cytogenetic location: 7p14.1.
Variant type: single nucleotide variant.
Coding change: c.513C>T on transcript NM_003718.5 (MANE Select); coding-DNA position 513, C replaced by T.
Protein change: p.Ala171=; no amino-acid change (alanine 171 retained).
Molecular consequence: synonymous variant.
Genome position (GRCh38, 1-based): chr7:39,951,154, C>T. VCF-style: chr7-39951154-C-T. GRCh37 (hg19) VCF-style: chr7-39990753-C-T.
Other names: c.513C>T, p.Ala171= (NM_031267.4).
Identifiers: ClinVar variation 3052835 (VCV003052835.4), dbSNP rs889792089, ClinGen allele CA157707176.
Genomic context (GRCh38, chr7:39,951,154, plus strand): 5'-CCAGTCCGAGCAGGGGCTGCTGCTGGGGGGGGCCAGCGCGGCAACGGCGGCGACGGCTGC[C>T]GGGGGAACGGGGGGCAGCGGCGGGAGTCCGGCCTCCTCCTCCGGCACCCAGCGGCGCGGG-3'
Protein context (NP_003709.3, residues 161-181): GASAATAATA[Ala171=]GGTGGSGGSP

ClinVar aggregate classification (germline): Likely benign. Review status: criteria provided, single submitter (1 of 4 stars). 2 submissions from 2 submitters: Likely benign (1). 1 of the submissions does not count toward it. Last evaluated 2025-12-28.

Conditions:
CDK13-related disorder. Also called: CDK13-related condition. Identifiers: MedGen C5816700.

Allele frequency attached by ClinVar (database versions not stated): gnomAD 0.00001; TOPMed 0.00001; gnomAD exomes 0.00002.
gnomAD v4.1: 26 of 1,241,408 alleles (0.0021%); highest among the groups gnomAD compares: South Asian, 0.0038%; no homozygotes.

Submissions (2):

Labcorp Genetics (formerly Invitae), Labcorp
Classification: Likely benign. Last evaluated: 2025-12-28. Review status: criteria provided, single submitter. Criteria: Invitae Variant Classification Sherloc (09022015). Collection method: clinical testing. Allele origin: germline.

PreventionGenetics, part of Exact Sciences
Classification: Likely benign for CDK13-related condition. Last evaluated: 2019-08-21. Review status: no assertion criteria provided. Collection method: clinical testing. Allele origin: germline. Not counted in ClinVar's aggregate classification.
Comment: This variant is classified as likely benign based on ACMG/AMP sequence variant interpretation guidelines (Richards et al. 2015 PMID: 25741868, with internal and published modifications).